The following is an entry in ClinVar:

NM_001164508.2(NEB):c.7727G>A (p.Trp2576Ter)

Gene: NEB (nebulin; minus strand). Cytogenetic location: 2q23.3.
Variant type: single nucleotide variant.
Coding change: c.7727G>A on transcript NM_001164508.2 (MANE Select); coding-DNA position 7727, G replaced by A.
Protein change: p.Trp2576Ter; replaces tryptophan 2576 with a stop codon.
Molecular consequence: nonsense.
Genome position (GRCh38, 1-based): chr2:151,644,047, C>T on the plus strand (G>A on the coding strand, the complement: NEB is on the minus strand). VCF-style: chr2-151644047-C-T. GRCh37 (hg19) VCF-style: chr2-152500561-C-T.
Other names: c.7727G>A, p.Trp2576Ter (NM_001164507.2, NM_001271208.2, NM_004543.5); short protein forms W2576*.
Identifiers: ClinVar variation 4814787 (VCV004814787.1).

ClinVar aggregate classification (germline): Likely pathogenic (1 of 4 stars; one submission).

Conditions:
Nemaline myopathy 2 (NEM2). Also called: Nemaline myopathy 2, autosomal recessive. Identifiers: MedGen C1850569, MONDO:0009725, OMIM 256030.

gnomAD v4.1: 1 of 1,613,930 alleles (0.000062%); highest among the groups gnomAD compares: Non-Finnish European, 0.000085%; no homozygotes.

Submission:

Natera, Inc.
Classification: Likely pathogenic for Nemaline myopathy type 2. Last evaluated: 2024-07-26. Review status: criteria provided, single submitter. Criteria: Natera Variant Classification Schema (03/2026). Collection method: clinical testing. Allele origin: germline.
Comment: The c.7727G>A variant in NEB is a nonsense variant predicted to introduce a stop codon at amino acid 2576. This variant is expected to result in nonsense mediated decay, truncation, or a dysfunctional protein product. This variant is rare in the general population with a frequency below the threshold expected for the associated phenotype(s). Given the available evidence, this variant is classified as Likely Pathogenic.